The following is an entry in ClinVar:

NM_000322.5(PRPH2):c.748T>C (p.Cys250Arg)

Gene: PRPH2 (peripherin 2; minus strand). Cytogenetic location: 6p21.1.
Variant type: single nucleotide variant.
Coding change: c.748T>C on transcript NM_000322.5 (MANE Select); coding-DNA position 748, T replaced by C.
Protein change: p.Cys250Arg; replaces cysteine 250 with arginine.
Molecular consequence: missense variant.
Genome position (GRCh38, 1-based): chr6:42,704,445, A>G on the plus strand (T>C on the coding strand, the complement: PRPH2 is on the minus strand). VCF-style: chr6-42704445-A-G. GRCh37 (hg19) VCF-style: chr6-42672183-A-G.
Other names: short protein forms C250R.
Identifiers: ClinVar variation 1175297 (VCV001175297.2), dbSNP rs1064793931, ClinGen allele CA364134985.

ClinVar aggregate classification (germline): Likely pathogenic. Review status: criteria provided, single submitter (1 of 4 stars). 2 submissions from 2 submitters: Likely pathogenic (1). 1 of the submissions does not count toward it. Last evaluated 2019-01-01.

Conditions:
Retinal dystrophy. Also called: Inherited retinal dystrophy. Identifiers: Orphanet 71862, MedGen C0854723, MeSH D058499, MONDO:0019118, HP:0000556.

Submissions (2):

Institute of Human Genetics, Univ. Regensburg, Univ. Regensburg
Classification: Likely pathogenic for Retinal dystrophy. Last evaluated: 2019-01-01. Review status: criteria provided, single submitter. Criteria: ACMG Guidelines, 2015. Collection method: clinical testing. Allele origin: germline. Affected: yes.

Leiden Open Variation Database
Classification: Likely pathogenic. Last evaluated: 2021-02-26. Review status: no assertion criteria provided. Collection method: curation. Allele origin: germline. Affected: yes. Not counted in ClinVar's aggregate classification.
Comment: Curator: Global Variome, with Curator vacancy. Submitter to LOVD: LOVD.

Literature cited by the submitters: PubMed 28559085 (cited by Institute of Human Genetics, Univ. Regensburg, Univ. Regensburg and Leiden Open Variation Database); PubMed 3441139 (cited by Institute of Human Genetics, Univ. Regensburg, Univ. Regensburg).